The following is an entry in ClinVar:

NM_005762.3(TRIM28):c.955-6C>T

Gene: TRIM28 (tripartite motif containing 28; plus strand). Cytogenetic location: 19q13.43.
Variant type: single nucleotide variant.
Coding change: c.955-6C>T on transcript NM_005762.3 (MANE Select); 6 bases into the intron before coding-DNA position 955, C replaced by T.
Molecular consequence: intron variant.
Genome position (GRCh38, 1-based): chr19:58,548,028, C>T. VCF-style: chr19-58548028-C-T. GRCh37 (hg19) VCF-style: chr19-59059395-C-T.
Identifiers: ClinVar variation 4799658 (VCV004799658.1).
Genomic context (GRCh38, chr19:58,548,028, plus strand): 5'-GGGGTGAGGAGTGATCCTAGTATTCTTCTGCCTTCTCTGCTTACCTCATACACCTTCTAT[C>T]TGCAGAAGGTGACTGAGGGGCAGCAGGAGCGCCTGGAGCGGCAGCACTGGACCATGACCA-3'

ClinVar aggregate classification (germline): Uncertain significance (1 of 4 stars; one submission).

gnomAD v4.1: 8 of 1,614,030 alleles (0.0005%); highest among the groups gnomAD compares: Admixed American, 0.01%; no homozygotes.

Submission:

Labcorp Genetics (formerly Invitae), Labcorp
Classification: Uncertain significance. Last evaluated: 2025-03-16. Review status: criteria provided, single submitter. Criteria: Invitae Variant Classification Sherloc (09022015). Collection method: clinical testing. Allele origin: germline.
Comment: This sequence change falls in intron 6 of the TRIM28 gene. It does not directly change the encoded amino acid sequence of the TRIM28 protein. This variant is present in population databases (no rsID available, gnomAD 0.01%). This variant has not been reported in the literature in individuals affected with TRIM28-related conditions. In summary, the available evidence is currently insufficient to determine the role of this variant in disease. Therefore, it has been classified as a Variant of Uncertain Significance.